The following is an entry in ClinVar:

ClinVar aggregate classification (germline): Uncertain significance (1 of 4 stars; one submission).

Conditions:
Familial cancer of breast. Also called: BREAST CANCER, FAMILIAL; Hereditary breast cancer; hereditary breast carcinoma. Identifiers: Orphanet 227535, MedGen C0346153, MONDO:0016419, OMIM 114480. Disease mechanism: loss of function.

Submission:

Laboratorio de Genetica e Diagnostico Molecular, Hospital Israelita Albert Einstein
Classification: Uncertain significance for Familial cancer of breast. Last evaluated: 2025-04-17. Review status: criteria provided, single submitter. Criteria: ACMG Guidelines, 2015. Collection method: clinical testing. Allele origin: germline. Affected: yes.
Comment: ACMG classification criteria: PM2 supporting

NM_001142556.2(HMMR):c.674_700delinsATACA (p.Ile225fs)

Gene: HMMR (hyaluronan mediated motility receptor; plus strand). Cytogenetic location: 5q34.
Variant type: Indel.
Coding change: c.674_700delinsATACA on transcript NM_001142556.2 (MANE Select); coding-DNA positions 674 to 700, TTGATGAAAAATCTGAAACAGAAAAAC replaced by ATACA.
Protein change: p.Ile225fs; shifts the reading frame from isoleucine 225.
Molecular consequence: frameshift variant.
Genome position (GRCh38, 1-based): chr5:163,473,202-163,473,228, TTGATGAAAAATCTGAAACAGAAAAAC replaced by ATACA. VCF-style: chr5-163473202-TTGATGAAAAATCTGAAACAGAAAAAC-ATACA. GRCh37 (hg19) VCF-style: chr5-162900208-TTGATGAAAAATCTGAAACAGAAAAAC-ATACA.
Other names: c.413_439delinsATACA, p.Ile138fs (NM_001142557.2); c.671_697delinsATACA, p.Ile224fs (NM_012484.3); c.626_652delinsATACA, p.Ile209fs (NM_012485.3); short protein forms I138fs, I209fs, I224fs, I225fs.
Identifiers: ClinVar variation 4056743 (VCV004056743.1).